The following is an entry in ClinVar:

ClinVar aggregate classification (germline): Conflicting classifications of pathogenicity. Review status: criteria provided, conflicting classifications (1 of 4 stars). 7 submissions from 7 submitters: Pathogenic (2); Likely pathogenic (4); Uncertain significance (1). Last evaluated 2025-05-22.

Conditions:
ABCA4-related disorder. Also called: ABCA4-related condition; ABCA4-related disorders. Identifiers: MedGen CN239167.
Retinitis pigmentosa (RP). Identifiers: Orphanet 791, MedGen C0035334, MeSH D012174, MONDO:0019200, OMIM 268000. Inheritance: Autosomal dominant, autosomal recessive and X linked inheritance.
Severe early-childhood-onset retinal dystrophy (STGD1). Also called: MACULAR DYSTROPHY WITH FLECKS, TYPE 1; STGD; Stargardt macular dystrophy; Juvenile onset macular degeneration; Stargardt disease 1. Identifiers: Orphanet 364055, Orphanet 827, MedGen C1855465, MeSH D000080362, MONDO:0009549, OMIM 248200.
Isolated macular dystrophy. Identifiers: Orphanet 519302, MedGen C5681367, MONDO:0957048.

Allele frequency attached by ClinVar (database versions not stated): TOPMed 0.00008; ESP Exome Variant Server 0.00015.
gnomAD v4.1: 221 of 1,613,992 alleles (0.014%); highest among the groups gnomAD compares: Non-Finnish European, 0.018%; no homozygotes.

Submissions (7):

Women's Health and Genetics/Laboratory Corporation of America, LabCorp
Classification: Likely pathogenic for Retinitis pigmentosa. Last evaluated: 2025-05-22. Review status: criteria provided, single submitter. Criteria: LabCorp Variant Classification Summary - May 2015. Collection method: clinical testing. Allele origin: germline.
Comment: Variant summary: ABCA4 c.2875A>T (p.Thr959Ser) results in a conservative amino acid change located in the ABC transporter-like, ATP-binding domain (IPR003439) of the encoded protein sequence. Algorithms developed to predict the effect of missense changes on protein structure and function are either unavailable or do not agree on the potential impact of this missense change. The variant allele was found at a frequency of 7.2e-05 in 251358 control chromosomes. This frequency is not significantly higher than estimated for a pathogenic variant in ABCA4 causing Retinitis Pigmentosa (7.2e-05 vs 0.0014), allowing no conclusion about variant significance. c.2875A>T has been reported in the literature in an individual affected with retinal degeneration (example: Weisschuh_2020). To our knowledge, no experimental evidence demonstrating an impact on protein function has been reported. Different variants affecting the same codon have been classified as likely pathogenic/pathogenic (c.2876C>T(p.Thr959Ile, c.2875A>G(p.Thr959Ala), supporting the critical relevance of codon 959 to ABCA4 protein function. The following publications have been ascertained in the context of this evaluation (PMID: 31964843, 32531858). ClinVar contains an entry for this variant (Variation ID: 424902). Based on the evidence outlined above, the variant was classified as likely pathogenic.

Labcorp Genetics (formerly Invitae), Labcorp
Classification: Likely pathogenic. Last evaluated: 2025-03-25. Review status: criteria provided, single submitter. Criteria: Invitae Variant Classification Sherloc (09022015). Collection method: clinical testing. Allele origin: germline.
Comment: This sequence change replaces threonine, which is neutral and polar, with serine, which is neutral and polar, at codon 959 of the ABCA4 protein (p.Thr959Ser). This variant is present in population databases (rs368846708, gnomAD 0.02%). This missense change has been observed in individual(s) with clinical features of ABCA4-related conditions (PMID: 32531858, 35120629, 39043154). ClinVar contains an entry for this variant (Variation ID: 424902). Invitae Evidence Modeling of protein sequence and biophysical properties (such as structural, functional, and spatial information, amino acid conservation, physicochemical variation, residue mobility, and thermodynamic stability) indicates that this missense variant is expected to disrupt ABCA4 protein function with a positive predictive value of 95%. This variant disrupts the p.Thr959 amino acid residue in ABCA4. Other variant(s) that disrupt this residue have been determined to be pathogenic (PMID: 10958763, 24097981). This suggests that this residue is clinically significant, and that variants that disrupt this residue are likely to be disease-causing. In summary, the currently available evidence indicates that the variant is pathogenic, but additional data are needed to prove that conclusively. Therefore, this variant has been classified as Likely Pathogenic.

Institute of Human Genetics, University of Leipzig Medical Center
Classification: Pathogenic for Severe early-childhood-onset retinal dystrophy. Last evaluated: 2025-03-04. Review status: criteria provided, single submitter. Criteria: ACMG Guidelines, 2015. Collection method: clinical testing. Allele origin: unknown. Inheritance: Autosomal recessive inheritance. Affected: yes.
Comment: Criteria applied: PM3_STR,PM5_STR,PM1,PM2,PP3

Blueprint Genetics
Classification: Likely pathogenic for ABCA4-related disorders. Last evaluated: 2024-11-20. Review status: criteria provided, single submitter. Criteria: ACMG Guidelines, 2015. Collection method: clinical testing. Allele origin: germline. Affected: yes. Observed: 5 variant alleles.

Molecular Genetics Laboratory, Institute for Ophthalmic Research
Classification: Pathogenic for Isolated macular dystrophy. Last evaluated: 2020-01-09. Review status: criteria provided, single submitter. Criteria: ACMG Guidelines, 2015. Collection method: research. Allele origin: germline. Affected: yes.

CeGaT Center for Human Genetics Tuebingen
Classification: Likely pathogenic. Last evaluated: 2019-02-01. Review status: criteria provided, single submitter. Criteria: CeGaT Center For Human Genetics Tuebingen Variant Classification Criteria Version 2. Collection method: clinical testing. Allele origin: germline. Affected: yes. Observed: 2 variant alleles.

Illumina Laboratory Services, Illumina
Classification: Uncertain significance for ABCA4-Related Disorders. Last evaluated: 2018-01-12. Review status: criteria provided, single submitter. Criteria: ICSL Variant Classification Criteria 13 December 2019. Collection method: clinical testing. Allele origin: germline.

Literature cited by the submitters: PubMed 32531858 (cited by Women's Health and Genetics/Laboratory Corporation of America, LabCorp and Labcorp Genetics (formerly Invitae), Labcorp); PubMed 31964843 (cited by Women's Health and Genetics/Laboratory Corporation of America, LabCorp); PubMed 35120629 (cited by Labcorp Genetics (formerly Invitae), Labcorp); PubMed 39043154 (cited by Labcorp Genetics (formerly Invitae), Labcorp); PubMed 10958763 (cited by Labcorp Genetics (formerly Invitae), Labcorp); PubMed 24097981 (cited by Labcorp Genetics (formerly Invitae), Labcorp).

NM_000350.3(ABCA4):c.2875A>T (p.Thr959Ser)

Gene: ABCA4 (ATP binding cassette subfamily A member 4; minus strand). Cytogenetic location: 1p22.1.
Variant type: single nucleotide variant.
Coding change: c.2875A>T on transcript NM_000350.3 (MANE Select); coding-DNA position 2875, A replaced by T.
Protein change: p.Thr959Ser; replaces threonine 959 with serine.
Molecular consequence: missense variant.
Genome position (GRCh38, 1-based): chr1:94,046,962, T>A on the plus strand (A>T on the coding strand, the complement: ABCA4 is on the minus strand). VCF-style: chr1-94046962-T-A. GRCh37 (hg19) VCF-style: chr1-94512518-T-A.
Other names: c.2653A>T, p.Thr885Ser (NM_001425324.1); short protein forms T959S, T885S.
Identifiers: ClinVar variation 424902 (VCV000424902.59), dbSNP rs368846708, ClinGen allele CA958129.